The following is an entry in ClinVar:

ClinVar aggregate classification (germline): Uncertain significance (1 of 4 stars; one submission).

Submission:

GeneDx
Classification: Uncertain significance. Last evaluated: 2025-03-19. Review status: criteria provided, single submitter. Criteria: GeneDx Variant Classification Process June 2021. Collection method: clinical testing. Allele origin: germline. Affected: yes.
Comment: Not observed at significant frequency in large population cohorts (gnomAD); In silico analysis supports that this missense variant has a deleterious effect on protein structure/function; Has not been previously published as pathogenic or benign to our knowledge

NM_016333.4(SRRM2):c.1997G>T (p.Arg666Leu)

Gene: SRRM2 (serine/arginine repetitive matrix 2; plus strand). Cytogenetic location: 16p13.3.
Variant type: single nucleotide variant.
Coding change: c.1997G>T on transcript NM_016333.4 (MANE Select); coding-DNA position 1997, G replaced by T.
Protein change: p.Arg666Leu; replaces arginine 666 with leucine.
Molecular consequence: missense variant.
Genome position (GRCh38, 1-based): chr16:2,762,525, G>T. VCF-style: chr16-2762525-G-T. GRCh37 (hg19) VCF-style: chr16-2812526-G-T.
Other names: short protein forms R666L.
Identifiers: ClinVar variation 4086304 (VCV004086304.1).